The following is an entry in ClinVar:

NM_002878.4(RAD51D):c.70A>T (p.Arg24Trp)

Genes: RAD51D (RAD51 paralog D; minus strand), RAD51L3-RFFL (RAD51L3-RFFL readthrough; minus strand). Cytogenetic location: 17q12.
Variant type: single nucleotide variant.
Coding change: c.70A>T on transcript NM_002878.4 (MANE Select); coding-DNA position 70, A replaced by T.
Protein change: p.Arg24Trp; replaces arginine 24 with tryptophan.
Molecular consequence: missense variant. On other transcripts: non-coding transcript variant (2).
Genome position (GRCh38, 1-based): chr17:35,119,544, T>A on the plus strand (A>T on the coding strand, the complement: RAD51D is on the minus strand). VCF-style: chr17-35119544-T-A. GRCh37 (hg19) VCF-style: chr17-33446563-T-A.
Other names: c.70A>T, p.Arg24Trp (NM_001142571.2, NM_133629.3); short protein forms R24W.
Identifiers: ClinVar variation 539855 (VCV000539855.8), dbSNP rs781611267, ClinGen allele CA399092304.

ClinVar aggregate classification (germline): Uncertain significance (1 of 4 stars; one submission).

Conditions:
Breast-ovarian cancer, familial, susceptibility to, 4. Identifiers: Orphanet 145, MedGen C3280345, MONDO:0013669, OMIM 614291.

Submission:

Labcorp Genetics (formerly Invitae), Labcorp
Classification: Uncertain significance for Breast-ovarian cancer, familial, susceptibility to, 4. Last evaluated: 2023-08-02. Review status: criteria provided, single submitter. Criteria: Invitae Variant Classification Sherloc (09022015). Collection method: clinical testing. Allele origin: germline.
Comment: In summary, the available evidence is currently insufficient to determine the role of this variant in disease. Therefore, it has been classified as a Variant of Uncertain Significance. An algorithm developed to predict the effect of missense changes on protein structure and function (PolyPhen-2) suggests that this variant is likely to be tolerated. ClinVar contains an entry for this variant (Variation ID: 539855). This variant has not been reported in the literature in individuals affected with RAD51D-related conditions. This variant is not present in population databases (gnomAD no frequency). This sequence change replaces arginine, which is basic and polar, with tryptophan, which is neutral and slightly polar, at codon 24 of the RAD51D protein (p.Arg24Trp).